The following is an entry in ClinVar:

ClinVar aggregate classification (germline): not provided (0 of 4 stars; one submission).

Conditions:
Familial long QT syndrome (RWS). Also called: Congenital long QT syndrome; Romano-Ward syndrome; VENTRICULAR FIBRILLATION WITH PROLONGED QT INTERVAL. Identifiers: Orphanet 768, MedGen C1141890, MONDO:0019171.

Allele frequency attached by ClinVar (database versions not stated): gnomAD exomes below 0.00001.
gnomAD v4.1: 1 of 1,597,948 alleles (0.000063%); highest among the groups gnomAD compares: South Asian, 0.0011%; no homozygotes.

Submission:

Cardiovascular Biomedical Research Unit, Royal Brompton & Harefield NHS Foundation Trust
No classification provided. Condition: Familial long QT syndrome. Review status: no classification provided. Collection method: literature only. Allele origin: germline.
Comment: This variant has been reported as associated with Long QT syndrome in the following publications (PMID:11222472). This is a literature report, and does not necessarily reflect the clinical interpretation of the Imperial College / Royal Brompton Cardiovascular Genetics laboratory.

Literature cited by the submitters: PubMed 11222472; PubMed 22581653.

NM_000238.4(KCNH2):c.2879G>A (p.Ser960Asn)

Gene: KCNH2 (potassium voltage-gated channel subfamily H member 2; minus strand). Cytogenetic location: 7q36.1.
Variant type: single nucleotide variant.
Coding change: c.2879G>A on transcript NM_000238.4 (MANE Select); coding-DNA position 2879, G replaced by A.
Protein change: p.Ser960Asn; replaces serine 960 with asparagine.
Molecular consequence: missense variant.
Genome position (GRCh38, 1-based): chr7:150,947,692, C>T on the plus strand (G>A on the coding strand, the complement: KCNH2 is on the minus strand). VCF-style: chr7-150947692-C-T. GRCh37 (hg19) VCF-style: chr7-150644780-C-T.
Other names: c.1859G>A, p.Ser620Asn (NM_172057.3); c.2879G>A (LRG_288t1); short protein forms S620N, S960N.
Identifiers: ClinVar variation 67447 (VCV000067447.1), dbSNP rs199473013, ClinGen allele CA007556.